The following is an entry in ClinVar:

NM_015512.5(DNAH1):c.4670C>T (p.Thr1557Met)

Gene: DNAH1 (dynein axonemal heavy chain 1; plus strand). Cytogenetic location: 3p21.1.
Variant type: single nucleotide variant.
Coding change: c.4670C>T on transcript NM_015512.5 (MANE Select); coding-DNA position 4670, C replaced by T.
Protein change: p.Thr1557Met; replaces threonine 1557 with methionine.
Molecular consequence: missense variant.
Genome position (GRCh38, 1-based): chr3:52,360,409, C>T. VCF-style: chr3-52360409-C-T. GRCh37 (hg19) VCF-style: chr3-52394425-C-T.
Other names: short protein forms T1557M.
Identifiers: ClinVar variation 659370 (VCV000659370.4), dbSNP rs371364322, ClinGen allele CA2433971.
Genomic context (GRCh38, chr3:52,360,409, plus strand): 5'-TGAATGCTGAGTTCATCTATGGCTATGAGTACCTGGGCAACAGTGGGAGGCTGGTGATCA[C>T]GCCCCTCACCGACAGGTAAGCGTTCCCCTCTTGCTCCTTCCCACACTGAGACCCTCCCTC-3'
Protein context (NP_056327.4, residues 1547-1567): YLGNSGRLVI[Thr1557Met]PLTDRCYLTL

ClinVar aggregate classification (germline): Uncertain significance. Review status: criteria provided, multiple submitters, no conflicts (2 of 4 stars). 2 submissions from 2 submitters: Uncertain significance (2). Last evaluated 2024-10-06.

Conditions:
Ciliary dyskinesia, primary, 37 (CILD37). Also called: CILIARY DYSKINESIA, PRIMARY, 37, WITH OR WITHOUT SITUS INVERSUS. Identifiers: MedGen C4539798, MONDO:0033204, OMIM 617577.
Spermatogenic failure 18. Identifiers: MedGen C4539783, MONDO:0054615, OMIM 617576.
Adams-Oliver syndrome 6 (AOS6). Identifiers: Orphanet 974, MedGen C4225271, MONDO:0014703, OMIM 616589.

Allele frequency attached by ClinVar (database versions not stated): gnomAD 0.00001; ESP Exome Variant Server 0.00008; TOPMed 0.00002.
gnomAD v4.1: 50 of 1,613,514 alleles (0.0031%); highest among the groups gnomAD compares: Non-Finnish European, 0.0042%; no homozygotes.

Submissions (2):

Johns Hopkins Genomics, Johns Hopkins University
Classification: Uncertain significance for Adams-Oliver syndrome 6. Last evaluated: 2024-10-06. Review status: criteria provided, single submitter. Criteria: ACMG Guidelines, 2015. Collection method: clinical testing. Allele origin: germline.
Comment: The variant (rs371364322) is rare (<0.1%) in a large population dataset (gnomADv4.1.0: 50/1613514 total alleles, 0.003%, no homozygotes) and has been reported in ClinVar (Variation ID: 659370). Two bioinformatic tools queried predict that this substitution would be damaging and the threonine residue at this position is evolutionarily conserved across all except two of the species assessed. We consider the clinical significance of c.4670C>T in DNAH1 to be uncertain at this time.

Labcorp Genetics (formerly Invitae), Labcorp
Classification: Uncertain significance for Ciliary dyskinesia, primary, 37; Spermatogenic failure 18. Last evaluated: 2022-08-23. Review status: criteria provided, single submitter. Criteria: Invitae Variant Classification Sherloc (09022015). Collection method: clinical testing. Allele origin: germline.
Comment: This sequence change replaces threonine, which is neutral and polar, with methionine, which is neutral and non-polar, at codon 1557 of the DNAH1 protein (p.Thr1557Met). This variant is present in population databases (rs371364322, gnomAD 0.004%). This missense change has been observed in individual(s) with multiple morphological abnormalities of the flagella (PMID: 33968654). In at least one individual the data is consistent with being in trans (on the opposite chromosome) from a pathogenic variant. ClinVar contains an entry for this variant (Variation ID: 659370). Algorithms developed to predict the effect of missense changes on protein structure and function (SIFT, PolyPhen-2, Align-GVGD) all suggest that this variant is likely to be disruptive. In summary, the available evidence is currently insufficient to determine the role of this variant in disease. Therefore, it has been classified as a Variant of Uncertain Significance.

Literature cited by the submitters: PubMed 33968654 (cited by Johns Hopkins Genomics, Johns Hopkins University and Labcorp Genetics (formerly Invitae), Labcorp); PubMed 34791246 (cited by Johns Hopkins Genomics, Johns Hopkins University).